The following is an entry in ClinVar:

ClinVar aggregate classification (germline): Likely benign. Review status: criteria provided, multiple submitters, no conflicts (2 of 4 stars). 3 submissions from 3 submitters: Likely benign (3). Last evaluated 2025-10-29.

Conditions:
WNK1-related disorder. Also called: WNK1-related condition.
Neuropathy, hereditary sensory and autonomic, type 2A (HSAN2A). Also called: ACROOSTEOLYSIS, GIACCAI TYPE; ACROOSTEOLYSIS, NEUROGENIC; NEUROPATHY, CONGENITAL SENSORY; NEUROPATHY, HEREDITARY SENSORY RADICULAR, AUTOSOMAL RECESSIVE; NEUROPATHY, HEREDITARY SENSORY, TYPE IIA; NEUROPATHY, PROGRESSIVE SENSORY, OF CHILDREN. Identifiers: Orphanet 970, MedGen C2752089, MONDO:0024309, OMIM 201300.
Pseudohypoaldosteronism type 2C (PHA2C). Also called: Pseudohypoaldosteronism Type IIC. Identifiers: Orphanet 757, Orphanet 88940, MedGen C1840391, MONDO:0013778, OMIM 614492.

Allele frequency attached by ClinVar (database versions not stated): gnomAD exomes 0.00006 and 0.00010; ExAC 0.00007; gnomAD 0.00008 and 0.00009; TOPMed 0.00008; ESP Exome Variant Server 0.00015.
gnomAD v4.1: 106 of 1,613,608 alleles (0.0066%); highest among the groups gnomAD compares: Admixed American, 0.005%; no homozygotes.

Submissions (3):

Labcorp Genetics (formerly Invitae), Labcorp
Classification: Likely benign for Neuropathy, hereditary sensory and autonomic, type 2A; Pseudohypoaldosteronism type 2C. Last evaluated: 2025-10-29. Review status: criteria provided, single submitter. Criteria: Invitae Variant Classification Sherloc (09022015). Collection method: clinical testing. Allele origin: germline.

PreventionGenetics, part of Exact Sciences
Classification: Likely benign for WNK1-related condition. Last evaluated: 2025-02-28. Review status: criteria provided, single submitter. Criteria: ACMG Guidelines, 2015. Collection method: clinical testing. Allele origin: germline.
Comment: This variant is classified as likely benign based on ACMG/AMP sequence variant interpretation guidelines (Richards et al. 2015 PMID: 25741868, with internal and published modifications).

Illumina Laboratory Services, Illumina
Classification: Likely benign for Pseudohypoaldosteronism type 2C. Last evaluated: 2018-01-13. Review status: criteria provided, single submitter. Criteria: ICSL Variant Classification Criteria 13 December 2019. Collection method: clinical testing. Allele origin: germline.
Comment: This variant was observed in the ICSL laboratory as part of a predisposition screen in an ostensibly healthy population. It had not been previously curated by ICSL or reported in the Human Gene Mutation Database (HGMD: prior to June 1st, 2018), and was therefore a candidate for classification through an automated scoring system. Utilizing variant allele frequency, disease prevalence and penetrance estimates, and inheritance mode, an automated score was calculated to assess if this variant is too frequent to cause the disease. Based on the score and internal cut-off values, a variant classified as likely benign is not then subjected to further curation. The score for this variant resulted in a classification of likely benign for this disease.

NM_018979.4(WNK1):c.1434C>T (p.Phe478=)

Gene: WNK1 (WNK lysine deficient protein kinase 1; plus strand). Cytogenetic location: 12p13.33.
Variant type: single nucleotide variant.
Coding change: c.1434C>T on transcript NM_018979.4 (MANE Select); coding-DNA position 1434, C replaced by T.
Protein change: p.Phe478=; no amino-acid change (phenylalanine 478 retained).
Molecular consequence: synonymous variant.
Genome position (GRCh38, 1-based): chr12:859,278, C>T. VCF-style: chr12-859278-C-T. GRCh37 (hg19) VCF-style: chr12-968444-C-T.
Other names: c.1434C>T, p.Phe478= (NM_001184985.2, NM_014823.3, NM_213655.5).
Identifiers: ClinVar variation 310736 (VCV000310736.16), dbSNP rs61736906, ClinGen allele CA6381971.